The following is an entry in ClinVar:

ClinVar aggregate classification (germline): Uncertain significance (1 of 4 stars; one submission).

Submission:

Labcorp Genetics (formerly Invitae), Labcorp
Classification: Uncertain significance. Last evaluated: 2022-04-16. Review status: criteria provided, single submitter. Criteria: Invitae Variant Classification Sherloc (09022015). Collection method: clinical testing. Allele origin: germline.
Comment: This sequence change replaces serine, which is neutral and polar, with threonine, which is neutral and polar, at codon 4284 of the PCLO protein (p.Ser4284Thr). This variant is not present in population databases (gnomAD no frequency). This variant has not been reported in the literature in individuals affected with PCLO-related conditions. Algorithms developed to predict the effect of missense changes on protein structure and function are either unavailable or do not agree on the potential impact of this missense change (SIFT: "Tolerated"; PolyPhen-2: "Not Available"; Align-GVGD: "Class C0"). In summary, the available evidence is currently insufficient to determine the role of this variant in disease. Therefore, it has been classified as a Variant of Uncertain Significance.

NM_033026.6(PCLO):c.12851G>C (p.Ser4284Thr)

Gene: PCLO (piccolo presynaptic cytomatrix protein; minus strand). Cytogenetic location: 7q21.11.
Variant type: single nucleotide variant.
Coding change: c.12851G>C on transcript NM_033026.6 (MANE Select); coding-DNA position 12851, G replaced by C.
Protein change: p.Ser4284Thr; replaces serine 4284 with threonine.
Molecular consequence: missense variant.
Genome position (GRCh38, 1-based): chr7:82,915,135, C>G on the plus strand (G>C on the coding strand, the complement: PCLO is on the minus strand). VCF-style: chr7-82915135-C-G. GRCh37 (hg19) VCF-style: chr7-82544451-C-G.
Other names: c.12851G>C, p.Ser4284Thr (NM_014510.3); short protein forms S4284T.
Identifiers: ClinVar variation 2126998 (VCV002126998.4), dbSNP rs764429661, ClinGen allele CA367885602.